The following is an entry in ClinVar:

NM_001388419.1(KALRN):c.2049G>A (p.Lys683=)

Gene: KALRN (kalirin RhoGEF kinase; plus strand). Cytogenetic location: 3q21.2.
Variant type: single nucleotide variant.
Coding change: c.2049G>A on transcript NM_001388419.1 (MANE Select); coding-DNA position 2049, G replaced by A.
Protein change: p.Lys683=; no amino-acid change (lysine 683 retained).
Molecular consequence: synonymous variant. On other transcripts: non-coding transcript variant (2).
Genome position (GRCh38, 1-based): chr3:124,395,221, G>A. VCF-style: chr3-124395221-G-A. GRCh37 (hg19) VCF-style: chr3-124114068-G-A.
Other names: c.2043G>A, p.Lys681= (NM_001024660.5, NM_001322988.2, NM_001322989.2 and 4 more transcripts); c.120G>A, p.Lys40= (NM_001388412.1, NM_001388413.1, NM_001388414.1 and 2 more transcripts); c.2049G>A, p.Lys683= (NM_001388417.1, NM_001388418.1).
Identifiers: ClinVar variation 3056443 (VCV003056443.2), dbSNP rs9841322, ClinGen allele CA2579348.

ClinVar aggregate classification (germline): Benign (0 of 4 stars; one submission).

Conditions:
KALRN-related disorder. Also called: KALRN-related condition.

Allele frequency attached by ClinVar (database versions not stated): 1000 Genomes Project 30x 0.08245; 1000 Genomes Project 0.08327; TOPMed 0.11500; gnomAD 0.11609; ESP Exome Variant Server 0.12187; ExAC 0.12781.
gnomAD v4.1: 237,996 of 1,612,574 alleles (15%); highest among the groups gnomAD compares: Non-Finnish European, 17%; 19,023 homozygotes.

Submission:

PreventionGenetics, part of Exact Sciences
Classification: Benign for KALRN-related condition. Last evaluated: 2019-10-21. Review status: no assertion criteria provided. Collection method: clinical testing. Allele origin: germline.
Comment: This variant is classified as benign based on ACMG/AMP sequence variant interpretation guidelines (Richards et al. 2015 PMID: 25741868, with internal and published modifications).